The following is an entry in ClinVar:

NM_001048174.2(MUTYH):c.55C>G (p.Gln19Glu)

Gene: MUTYH (mutY DNA glycosylase; minus strand). Cytogenetic location: 1p34.1.
Variant type: single nucleotide variant.
Coding change: c.55C>G on transcript NM_001048174.2 (MANE Select); coding-DNA position 55, C replaced by G.
Protein change: p.Gln19Glu; replaces glutamine 19 with glutamic acid.
Molecular consequence: missense variant. On other transcripts: 5 prime UTR variant (7), non-coding transcript variant (7).
Genome position (GRCh38, 1-based): chr1:45,334,451, G>C on the plus strand (C>G on the coding strand, the complement: MUTYH is on the minus strand). VCF-style: chr1-45334451-G-C. GRCh37 (hg19) VCF-style: chr1-45800123-G-C.
Other names: c.55C>G, p.Gln19Glu (NM_001048171.2, NM_001048172.2, NM_001048173.2 and 15 more transcripts); c.97C>G, p.Gln33Glu (NM_001128425.2, NM_001293190.2, NM_001407069.1 and 2 more transcripts); c.-158C>G (NM_001293192.2, NM_001293196.2, NM_001407091.1); c.-217C>G (NM_001350650.2); c.-153C>G (NM_001350651.2, NM_001407082.1); c.-102C>G (NM_001407075.1); c.73C>G, p.Gln25Glu (NM_001407087.1); short protein forms Q33E, Q19E, Q25E.
Identifiers: ClinVar variation 4113981 (VCV004113981.1).

ClinVar aggregate classification (germline): Uncertain significance (1 of 4 stars; one submission).

Conditions:
Hereditary cancer-predisposing syndrome. Also called: Hereditary neoplastic syndrome; Neoplastic Syndromes, Hereditary; Tumor predisposition; Hereditary Cancer Syndrome. Identifiers: Orphanet 140162, MedGen C0027672, MeSH D009386, MONDO:0015356.

Submission:

Ambry Genetics
Classification: Uncertain significance for Hereditary cancer-predisposing syndrome. Last evaluated: 2025-08-27. Review status: criteria provided, single submitter. Criteria: Ambry Variant Classification Scheme 2023. Collection method: clinical testing. Allele origin: germline.
Comment: The p.Q33E variant (also known as c.97C>G), located in coding exon 2 of the MUTYH gene, results from a C to G substitution at nucleotide position 97. The glutamine at codon 33 is replaced by glutamic acid, an amino acid with highly similar properties. This amino acid position is conserved. In addition, this alteration is predicted to be tolerated by in silico analysis. Based on the available evidence, the clinical significance of this variant remains unclear.